The following is an entry in ClinVar:

ClinVar aggregate classification (germline): Likely benign. Review status: criteria provided, multiple submitters, no conflicts (2 of 4 stars). 3 submissions from 3 submitters: Likely benign (3). Last evaluated 2024-10-18.

Conditions:
Epidermolysis bullosa simplex 5B, with muscular dystrophy (EBS5B). Also called: EPIDERMOLYSIS BULLOSA SIMPLEX AND LIMB-GIRDLE MUSCULAR DYSTROPHY; Epidermolysis bullosa simplex with muscular dystrophy. Identifiers: Orphanet 257, MedGen C2931072, MONDO:0009181, OMIM 226670.
Epidermolysis bullosa simplex 5C, with pyloric atresia (EBS5C). Also called: PLEC-Related Epidermolysis Bullosa with Pyloric Atresia; Epidermolysis bullosa simplex with pyloric atresia; PLEC1-Related Epidermolysis Bullosa with Pyloric Atresia. Identifiers: Orphanet 158684, MedGen C2677349, MONDO:0012807, OMIM 612138.
Epidermolysis bullosa simplex with nail dystrophy (EBS5D). Identifiers: MedGen C4225309, MONDO:0014661, OMIM 616487.
Autosomal recessive limb-girdle muscular dystrophy type 2Q (LGMDR17). Also called: MUSCULAR DYSTROPHY, LIMB-GIRDLE, AUTOSOMAL RECESSIVE 17. Identifiers: Orphanet 254361, MedGen C3150989, MONDO:0013390, OMIM 613723.
Epidermolysis bullosa simplex, Ogna type (EBS5A). Also called: Pidermolysis bullosa simplex 5A, Ogna type; EPIDERMOLYSIS BULLOSA SIMPLEX 5A, OGNA TYPE. Identifiers: Orphanet 79401, MedGen C0432317, MONDO:0007555, OMIM 131950.

Allele frequency attached by ClinVar (database versions not stated): ExAC 0.00003; gnomAD exomes 0.00003 and 0.00004.
gnomAD v4.1: 41 of 1,555,348 alleles (0.0026%); highest among the groups gnomAD compares: East Asian, 0.038%; no homozygotes.

Submissions (3):

Blueprint Genetics
Classification: Likely benign. Last evaluated: 2024-10-18. Review status: criteria provided, single submitter. Criteria: ACMG Guidelines, 2015. Collection method: clinical testing. Allele origin: germline.

CeGaT Center for Human Genetics Tuebingen
Classification: Likely benign. Last evaluated: 2023-03-01. Review status: criteria provided, single submitter. Criteria: CeGaT Center For Human Genetics Tuebingen Variant Classification Criteria Version 2. Collection method: clinical testing. Allele origin: germline. Affected: yes. Observed: 1 variant allele.
Comment: PLEC: BP4, BP7

Labcorp Genetics (formerly Invitae), Labcorp
Classification: Likely benign for Autosomal recessive limb-girdle muscular dystrophy type 2Q; Epidermolysis bullosa simplex, Ogna type; Epidermolysis bullosa simplex with nail dystrophy; Epidermolysis bullosa simplex 5C, with pyloric atresia; Epidermolysis bullosa simplex 5B, with muscular dystrophy. Last evaluated: 2022-08-24. Review status: criteria provided, single submitter. Criteria: Invitae Variant Classification Sherloc (09022015). Collection method: clinical testing. Allele origin: germline.

NM_201384.3(PLEC):c.4569C>T (p.Ala1523=)

Gene: PLEC (plectin; minus strand). Cytogenetic location: 8q24.3.
Variant type: single nucleotide variant.
Coding change: c.4569C>T on transcript NM_201384.3 (MANE Select); coding-DNA position 4569, C replaced by T.
Protein change: p.Ala1523=; no amino-acid change (alanine 1523 retained).
Molecular consequence: synonymous variant.
Genome position (GRCh38, 1-based): chr8:143,925,360, G>A on the plus strand (C>T on the coding strand, the complement: PLEC is on the minus strand). VCF-style: chr8-143925360-G-A. GRCh37 (hg19) VCF-style: chr8-144999528-G-A.
Other names: c.4650C>T, p.Ala1550= (NM_000445.5); c.4527C>T, p.Ala1509= (NM_201378.4); c.4503C>T, p.Ala1501= (NM_201379.3); c.4980C>T, p.Ala1660= (NM_201380.4); c.4473C>T, p.Ala1491= (NM_201381.3); c.4569C>T, p.Ala1523= (NM_201382.4); c.4581C>T, p.Ala1527= (NM_201383.3).
Identifiers: ClinVar variation 1635399 (VCV001635399.33), dbSNP rs782223095, ClinGen allele CA4926617.